The following is an entry in ClinVar:

NM_000321.3(RB1):c.726dup (p.Val243fs)

Gene: RB1 (RB transcriptional corepressor 1; plus strand). Cytogenetic location: 13q14.2.
Variant type: Duplication.
Coding change: c.726dup on transcript NM_000321.3 (MANE Select); coding-DNA position 726, one base duplicated (T; older notation c.726dupT).
Protein change: p.Val243fs; shifts the reading frame from valine 243.
Molecular consequence: frameshift variant.
Genome position (GRCh38, 1-based): chr13:48,362,822, T duplicated. VCF-style (leftmost placement, unchanged base first): chr13-48362821-C-CT. GRCh37 (hg19) VCF-style: chr13-48936957-C-CT.
Other names: c.726dupT (NM_000321.2); short protein forms V243fs.
Identifiers: ClinVar variation 654420 (VCV000654420.6), dbSNP rs1593445096, ClinGen allele CA915948646.

ClinVar aggregate classification (germline): Pathogenic (1 of 4 stars; one submission).

Conditions:
Retinoblastoma (RB1). Also called: RETINOBLASTOMA, SOMATIC. Identifiers: Orphanet 790, MedGen C0035335, MeSH D012175, MONDO:0008380, OMIM 180200, HP:0009919. Disease mechanism: loss of function. Inheritance: Both sporadic and heritable forms are tested..

Submission:

Labcorp Genetics (formerly Invitae), Labcorp
Classification: Pathogenic for Retinoblastoma. Last evaluated: 2018-08-27. Review status: criteria provided, single submitter. Criteria: Invitae Variant Classification Sherloc (09022015). Collection method: clinical testing. Allele origin: germline.
Comment: This sequence change creates a premature translational stop signal (p.Val243Cysfs*5) in the RB1 gene. It is expected to result in an absent or disrupted protein product. This variant is not present in population databases (ExAC no frequency). This variant has not been reported in the literature in individuals with RB1-related disease. Loss-of-function variants in RB1 are known to be pathogenic (PMID: 17096365). For these reasons, this variant has been classified as Pathogenic.

Literature cited by the submitters: PubMed 17096365.